The following is an entry in ClinVar:

NM_006908.5(RAC1):c.579A>C (p.Ter193Tyr)

Gene: RAC1 (Rac family small GTPase 1; plus strand). Cytogenetic location: 7p22.1.
Variant type: single nucleotide variant.
Coding change: c.579A>C on transcript NM_006908.5 (MANE Select); coding-DNA position 579, A replaced by C.
Protein change: p.Ter193Tyr.
Molecular consequence: stop lost.
Genome position (GRCh38, 1-based): chr7:6,402,446, A>C. VCF-style: chr7-6402446-A-C. GRCh37 (hg19) VCF-style: chr7-6442077-A-C.
Other names: c.636A>C, p.Ter212Tyr (NM_018890.4).
Identifiers: ClinVar variation 3893408 (VCV003893408.2).

ClinVar aggregate classification (germline): Likely pathogenic (1 of 4 stars; one submission).

Submission:

GeneDx
Classification: Likely pathogenic. Last evaluated: 2025-07-08. Review status: criteria provided, single submitter. Criteria: GeneDx Variant Classification Process June 2021. Collection method: clinical testing. Allele origin: germline.
Comment: Stop codon loss and change to a tyrosine codon, leading to protein extension and the addition of 50 amino acids at the C-terminus; Not observed at significant frequency in large population cohorts (gnomAD); Has not been previously published as pathogenic or benign to our knowledge